The following is an entry in ClinVar:

NM_138576.4(BCL11B):c.1124C>G (p.Ser375Cys)

Gene: BCL11B (BCL11 transcription factor B; minus strand). Cytogenetic location: 14q32.2.
Variant type: single nucleotide variant.
Coding change: c.1124C>G on transcript NM_138576.4 (MANE Select); coding-DNA position 1124, C replaced by G.
Protein change: p.Ser375Cys; replaces serine 375 with cysteine.
Molecular consequence: missense variant.
Genome position (GRCh38, 1-based): chr14:99,175,712, G>C on the plus strand (C>G on the coding strand, the complement: BCL11B is on the minus strand). VCF-style: chr14-99175712-G-C. GRCh37 (hg19) VCF-style: chr14-99642049-G-C.
Other names: c.1121C>G, p.Ser374Cys (NM_001282237.2); c.908C>G, p.Ser303Cys (NM_001282238.2); c.911C>G, p.Ser304Cys (NM_022898.3); short protein forms S303C, S304C, S374C, S375C.
Identifiers: ClinVar variation 4796715 (VCV004796715.1).
Genomic context (GRCh38, chr14:99,175,712, plus strand): 5'-AAGGGGTTCAGGAGCCGGTGCATAGGGTTGCCGCGGCCCGGGGACACGGGCGGCGGCGTG[G>C]AGCTGTTGCCCGCCAGCTCGCGGAGCCGCCGCGAGAAGTCCATGGCGGGCGAGTCGATGG-3'
Protein context (NP_612808.1, residues 365-385): RRLRELAGNS[Ser375Cys]TPPPVSPGRG

ClinVar aggregate classification (germline): Likely benign (1 of 4 stars; one submission).

Conditions:
Intellectual developmental disorder with speech delay, dysmorphic facies, and t-cell abnormalities. Also called: BCL11B-related BAFopathy. Identifiers: Orphanet 662829, MedGen C4748152, MONDO:0060763, OMIM 618092.

Submission:

Centre for Medical Genetics,  Mumbai
Classification: Likely benign for Intellectual developmental disorder with speech delay, dysmorphic facies, and t-cell abnormalities. Last evaluated: 2026-02-21. Review status: criteria provided, single submitter. Criteria: ACMG Guidelines, 2015. Collection method: provider interpretation. Allele origin: germline. Inheritance: Autosomal dominant inheritance. Affected: no. Observed: 1 heterozygote.
Comment: The variant satisfies PM2 criteria; extremely low frequency in gnomAD population databases. The variant satisfies PP2 criteria; missense variant in a gene with low rate of benign missense mutations and for which missense mutation is a common mechanism of a disease. However, the variant satisfies BS2 criteria; present in heterozygous state in an individual that clinically does not have Intellectual developmental disorder with dysmorphic facies, speech delay, and T-cell abnormalities.

Literature cited by the submitters: PubMed 29985992.